The following is an entry in ClinVar:

NM_000245.4(MET):c.781T>C (p.Phe261Leu)

Gene: MET (MET proto-oncogene, receptor tyrosine kinase; plus strand). Cytogenetic location: 7q31.2.
Variant type: single nucleotide variant.
Coding change: c.781T>C on transcript NM_000245.4 (MANE Select); coding-DNA position 781, T replaced by C.
Protein change: p.Phe261Leu; replaces phenylalanine 261 with leucine.
Molecular consequence: missense variant. On other transcripts: intron variant (1).
Genome position (GRCh38, 1-based): chr7:116,699,865, T>C. VCF-style: chr7-116699865-T-C. GRCh37 (hg19) VCF-style: chr7-116339919-T-C.
Other names: c.781T>C, p.Phe261Leu (NM_001127500.3, NM_001324401.3); c.-91+27288T>C (NM_001324402.2); short protein forms F261L.
Identifiers: ClinVar variation 454256 (VCV000454256.13), dbSNP rs765061513, ClinGen allele CA4448028.

ClinVar aggregate classification (germline): Conflicting classifications of pathogenicity. Review status: criteria provided, conflicting classifications (1 of 4 stars). 2 submissions from 2 submitters: Uncertain significance (1); Likely benign (1). Last evaluated 2026-01-21.

Conditions:
Renal cell carcinoma. Identifiers: Orphanet 217071, MedGen C0007134, MeSH D002292, MONDO:0005086, HP:0005584.
Hereditary cancer-predisposing syndrome. Also called: Hereditary Cancer Syndrome; Hereditary neoplastic syndrome; Neoplastic Syndromes, Hereditary; Tumor predisposition. Identifiers: Orphanet 140162, MedGen C0027672, MeSH D009386, MONDO:0015356.

Allele frequency attached by ClinVar (database versions not stated): TOPMed below 0.00001; gnomAD exomes 0.00001 and 0.00002; ExAC 0.00002.
gnomAD v4.1: 4 of 1,614,142 alleles (0.00025%); highest among the groups gnomAD compares: Admixed American, 0.0067%; no homozygotes.

Submissions (2):

Labcorp Genetics (formerly Invitae), Labcorp
Classification: Uncertain significance for Renal cell carcinoma. Last evaluated: 2026-01-21. Review status: criteria provided, single submitter. Criteria: Invitae Variant Classification Sherloc (09022015). Collection method: clinical testing. Allele origin: germline.
Comment: This sequence change replaces phenylalanine, which is neutral and non-polar, with leucine, which is neutral and non-polar, at codon 261 of the MET protein (p.Phe261Leu). This variant is present in population databases (rs765061513, gnomAD 0.01%). This missense change has been observed in individual(s) with MET-related conditions (PMID: 37086329). ClinVar contains an entry for this variant (Variation ID: 454256). Invitae Evidence Modeling of protein sequence and biophysical properties (such as structural, functional, and spatial information, amino acid conservation, physicochemical variation, residue mobility, and thermodynamic stability) indicates that this missense variant is expected to disrupt MET protein function with a positive predictive value of 80%. In summary, the available evidence is currently insufficient to determine the role of this variant in disease. Therefore, it has been classified as a Variant of Uncertain Significance.

Ambry Genetics
Classification: Likely benign for Hereditary cancer-predisposing syndrome. Last evaluated: 2022-12-12. Review status: criteria provided, single submitter. Criteria: Ambry Variant Classification Scheme 2023. Collection method: clinical testing. Allele origin: germline.

Literature cited by the submitters: PubMed 37086329 (cited by Labcorp Genetics (formerly Invitae), Labcorp).